The following is an entry in ClinVar:

ClinVar aggregate classification (germline): Uncertain significance (1 of 4 stars; one submission).

gnomAD v4.1: 1 of 1,604,486 alleles (0.000062%); highest among the groups gnomAD compares: Non-Finnish European, 0.000085%; no homozygotes.

Submission:

Ambry Genetics
Classification: Uncertain significance. Last evaluated: 2025-08-29. Review status: criteria provided, single submitter. Criteria: Ambry Variant Classification Scheme 2023. Collection method: clinical testing. Allele origin: germline.
Comment: The p.P761Q variant (also known as c.2282C>A), located in coding exon 10 of the WNK2 gene, results from a C to A substitution at nucleotide position 2282. The proline at codon 761 is replaced by glutamine, an amino acid with similar properties. This amino acid position is conserved. In addition, this alteration is predicted to be tolerated by in silico analysis. Based on the available evidence, the clinical significance of this variant remains unclear.

NM_006648.4(WNK2):c.2282C>A (p.Pro761Gln)

Gene: WNK2 (WNK lysine deficient protein kinase 2; plus strand). Cytogenetic location: 9q22.31.
Variant type: single nucleotide variant.
Coding change: c.2282C>A on transcript NM_006648.4 (MANE Select); coding-DNA position 2282, C replaced by A.
Protein change: p.Pro761Gln; replaces proline 761 with glutamine.
Molecular consequence: missense variant.
Genome position (GRCh38, 1-based): chr9:93,257,039, C>A. VCF-style: chr9-93257039-C-A. GRCh37 (hg19) VCF-style: chr9-96019321-C-A.
Other names: c.2282C>A, p.Pro761Gln (NM_001282394.3); short protein forms P761Q.
Identifiers: ClinVar variation 4201837 (VCV004201837.1).